The following continues an entry in ClinVar:

NM_024301.5(FKRP):c.1387A>G (p.Asn463Asp)

Gene: FKRP. ClinVar aggregate classification (germline): Pathogenic/Likely pathogenic. Pathogenic (11); Likely pathogenic (2).

Submissions 7 to 14 of 14:

Women's Health and Genetics/Laboratory Corporation of America, LabCorp
Classification: Pathogenic for Autosomal recessive limb-girdle muscular dystrophy. Last evaluated: 2023-01-28. Review status: criteria provided, single submitter. Criteria: LabCorp Variant Classification Summary - May 2015. Collection method: clinical testing. Allele origin: germline.
Comment: Variant summary: FKRP c.1387A>G (p.Asn463Asp) results in a conservative amino acid change in the encoded protein sequence. Four of five in-silico tools predict a damaging effect of the variant on protein function. The variant allele was found at a frequency of 0.00012 in 222240 control chromosomes. This frequency is not significantly higher than expected for a pathogenic variant in FKRP causing Limb-Girdle Muscular Dystrophy, Autosomal Recessive (0.00012 vs 0.0024), allowing no conclusion about variant significance. c.1387A>G has been reported in the literature as a frequent founder variant of Mexican origin in multiple individuals affected with Limb-Girdle Muscular Dystrophy, Autosomal Recessive (example, PMID: 31931849, 31041397, 34653404). These data indicate that the variant is very likely to be associated with disease. To our knowledge, no variant specific experimental evidence demonstrating an impact on protein function has been reported, although in one study, all muscle biopsies from homozygous individuals available for review showed end-stage dystrophic pathology, near absence of glycosylated alpha-dystroglycan (alpha-DG) by immunofluorescence, and reduced molecular weight of alpha-DG compared with controls (PMID: 31041397). Eight clinical diagnostic laboratories have submitted clinical-significance assessments for this variant to ClinVar after 2014 without evidence for independent evaluation. All laboratories classified the variant as pathogenic/likely pathogenic. Based on the evidence outlined above, the variant was classified as pathogenic.

Revvity Omics, Revvity
Classification: Likely pathogenic. Last evaluated: 2023-01-25. Review status: criteria provided, single submitter. Criteria: ACMG Guidelines, 2015. Collection method: clinical testing. Allele origin: germline.

GeneDx
Classification: Pathogenic. Last evaluated: 2021-12-03. Review status: criteria provided, single submitter. Criteria: GeneDx Variant Classification Process June 2021. Collection method: clinical testing. Allele origin: germline. Affected: yes.
Comment: Published functional study demonstrates c.1387A>G showed significantly decreased to absent glycosylated alpha-DG positivity with IIH6 antibody, and mild, variable decreases in beta-DG, dystrophin, and merosin (Lee et al., 2019); Reported in ClinVar but additional evidence is not available (ClinVar Variant ID 4235; ClinVar); In silico analysis supports that this missense variant has a deleterious effect on protein structure/function; This variant is associated with the following publications: (PMID: 31041397, 17336067, 29065428, 31980526)

Fulgent Genetics
Classification: Pathogenic for Muscular dystrophy-dystroglycanopathy (congenital with brain and eye anomalies), type A1; Muscular dystrophy-dystroglycanopathy type B5; Autosomal recessive limb-girdle muscular dystrophy type 2I; Muscular dystrophy-dystroglycanopathy (congenital with brain and eye anomalies), type A5. Last evaluated: 2021-10-07. Review status: criteria provided, single submitter. Criteria: ACMG Guidelines, 2015. Collection method: clinical testing. Allele origin: unknown.

Broad Center for Mendelian Genomics, Broad Institute of MIT and Harvard
Classification: Pathogenic for Muscular dystrophy-dystroglycanopathy type B5. Last evaluated: 2020-05-28. Review status: criteria provided, single submitter. Criteria: ACMG Guidelines, 2015. Collection method: research. Allele origin: germline. Inheritance: Autosomal recessive inheritance.
Comment: The p.Asn463Asp variant has also been reported in at least 13 additional individuals with Hispanic or Mexican ancestry and muscular dystrophy-dystroglycanopathy, segregated with disease in 6 affected relatives from 3 families (PMID: 29065428, 31041397), and has been identified in 0.084% (27/32138) of Latino chromosomes by the Genome Aggregation Database (gnomAD; dbSNP rs121908110). Although this variant has been seen in the general population, its frequency is not high enough to rule out a pathogenic role. This variant has also been reported pathogenic by UChicago, EGL Genetic Diagnostics, Invitae, and OMIM in ClinVar (Variation ID: 4235). The presence of this variant in 9 affected homozygotes and in combination with a reported pathogenic variant and in 5 individuals with muscular dystrophy-dystroglycanopathy increases the likelihood that the p.Asn463Asp variant is pathogenic (PMID: 17336067, 29065428, 31041397, 31671740). In vitro functional studies provide some evidence that the p.Asn463Asp variant may impact protein function (PMID: 31041397). However, these types of assays may not accurately represent biological function. Computational prediction tools and conservation analyses suggest that this variant may impact the protein, though this information is not predictive enough to determine pathogenicity. In summary, this variant meets criteria to be classified as pathogenic for muscular dystrophy-dystroglycanopathy in an autosomal recessive manner based on the occurrence of this variant with other pathogenic variants in trans, functional evidence showing an affect to protein function, and segregation among multiple families. ACMG/AMP Criteria applied: PM3_Strong, PS3_moderate, PP1_strong, PP3 (Richards 2015).

Eurofins Ntd Llc (ga)
Classification: Pathogenic. Last evaluated: 2016-06-30. Review status: criteria provided, single submitter. Criteria: EGL Classification Definitions. Collection method: clinical testing. Allele origin: germline. Observed: 7 variant alleles, 6 heterozygotes, 1 homozygote.

Genetic Services Laboratory, University of Chicago
Classification: Pathogenic for Muscular dystrophy. Last evaluated: 2015-05-15. Review status: criteria provided, single submitter. Criteria: ACMG Guidelines, 2015. Collection method: clinical testing. Allele origin: germline. Affected: yes.

OMIM
Classification: Pathogenic for MUSCULAR DYSTROPHY-DYSTROGLYCANOPATHY (CONGENITAL WITHOUT IMPAIRED INTELLECTUAL DEVELOPMENT), TYPE B, 5. Last evaluated: 2007-04-01. Review status: no assertion criteria provided. Collection method: literature only. Allele origin: germline. Not counted in ClinVar's aggregate classification.

Literature cited by the submitters: PubMed 17336067 (cited by 7 submitters); PubMed 29065428 (cited by 4 submitters); PubMed 31041397 (cited by 4 submitters); PubMed 31931849 (cited by Women's Health and Genetics/Laboratory Corporation of America, LabCorp); PubMed 34653404 (cited by Women's Health and Genetics/Laboratory Corporation of America, LabCorp); PubMed 31671740 (cited by Broad Center for Mendelian Genomics, Broad Institute of MIT and Harvard).